The following is an entry in ClinVar:

NM_080669.6(SLC46A1):c.487G>T (p.Ala163Ser)

Gene: SLC46A1 (solute carrier family 46 member 1; minus strand). Cytogenetic location: 17q11.2.
Variant type: single nucleotide variant.
Coding change: c.487G>T on transcript NM_080669.6 (MANE Select); coding-DNA position 487, G replaced by T.
Protein change: p.Ala163Ser; replaces alanine 163 with serine.
Molecular consequence: missense variant.
Genome position (GRCh38, 1-based): chr17:28,405,210, C>A on the plus strand (G>T on the coding strand, the complement: SLC46A1 is on the minus strand). VCF-style: chr17-28405210-C-A. GRCh37 (hg19) VCF-style: chr17-26732228-C-A.
Other names: c.487G>T, p.Ala163Ser (NM_001242366.3); short protein forms A163S.
Identifiers: ClinVar variation 1382463 (VCV001382463.6), dbSNP rs782701765, ClinGen allele CA398351406.

ClinVar aggregate classification (germline): Uncertain significance (1 of 4 stars; one submission).

Submission:

Labcorp Genetics (formerly Invitae), Labcorp
Classification: Uncertain significance. Last evaluated: 2022-02-04. Review status: criteria provided, single submitter. Criteria: Invitae Variant Classification Sherloc (09022015). Collection method: clinical testing. Allele origin: germline.
Comment: This sequence change replaces alanine, which is neutral and non-polar, with serine, which is neutral and polar, at codon 163 of the SLC46A1 protein (p.Ala163Ser). This variant is not present in population databases (gnomAD no frequency). This variant has not been reported in the literature in individuals affected with SLC46A1-related conditions. Experimental studies and prediction algorithms are not available or were not evaluated, and the functional significance of this variant is currently unknown. In summary, the available evidence is currently insufficient to determine the role of this variant in disease. Therefore, it has been classified as a Variant of Uncertain Significance.